The following is an entry in ClinVar:

ClinVar aggregate classification (germline): Uncertain significance (1 of 4 stars; one submission).

Allele frequency attached by ClinVar (database versions not stated): ExAC 0.00003; gnomAD exomes 0.00006; TOPMed 0.00008; gnomAD 0.00009 and 0.00010.
gnomAD v4.1: 151 of 1,608,294 alleles (0.0094%); highest among the groups gnomAD compares: Non-Finnish European, 0.012%; no homozygotes.

Submission:

Labcorp Genetics (formerly Invitae), Labcorp
Classification: Uncertain significance. Last evaluated: 2022-10-17. Review status: criteria provided, single submitter. Criteria: Invitae Variant Classification Sherloc (09022015). Collection method: clinical testing. Allele origin: germline.
Comment: This sequence change affects codon 226 of the POC1A mRNA. It is a 'silent' change, meaning that it does not change the encoded amino acid sequence of the POC1A protein. It affects a nucleotide within the consensus splice site. This variant is present in population databases (rs768523467, gnomAD 0.01%). This variant has not been reported in the literature in individuals affected with POC1A-related conditions. ClinVar contains an entry for this variant (Variation ID: 1365036). Algorithms developed to predict the effect of sequence changes on RNA splicing suggest that this variant may disrupt the consensus splice site. In summary, the available evidence is currently insufficient to determine the role of this variant in disease. Therefore, it has been classified as a Variant of Uncertain Significance.

NM_015426.5(POC1A):c.678G>A (p.Gln226=)

Gene: POC1A (POC1 centriolar protein A; minus strand). Cytogenetic location: 3p21.2.
Variant type: single nucleotide variant.
Coding change: c.678G>A on transcript NM_015426.5 (MANE Select); coding-DNA position 678, G replaced by A.
Protein change: p.Gln226=; no amino-acid change (glutamine 226 retained).
Molecular consequence: synonymous variant.
Genome position (GRCh38, 1-based): chr3:52,145,847, C>T on the plus strand (G>A on the coding strand, the complement: POC1A is on the minus strand). VCF-style: chr3-52145847-C-T. GRCh37 (hg19) VCF-style: chr3-52179863-C-T.
Other names: c.678G>A, p.Gln226= (NM_001161580.2); c.564G>A, p.Gln188= (NM_001161581.2).
Identifiers: ClinVar variation 1365036 (VCV001365036.5), dbSNP rs768523467, ClinGen allele CA2429540.